The following is an entry in ClinVar:

NM_022835.3(PLEKHG2):c.176G>A (p.Gly59Asp)

Gene: PLEKHG2 (pleckstrin homology and RhoGEF domain containing G2; plus strand). Cytogenetic location: 19q13.2.
Variant type: single nucleotide variant.
Coding change: c.176G>A on transcript NM_022835.3 (MANE Select); coding-DNA position 176, G replaced by A.
Protein change: p.Gly59Asp; replaces glycine 59 with aspartic acid.
Molecular consequence: missense variant. On other transcripts: intron variant (1).
Genome position (GRCh38, 1-based): chr19:39,415,058, G>A. VCF-style: chr19-39415058-G-A. GRCh37 (hg19) VCF-style: chr19-39905698-G-A.
Other names: c.176G>A, p.Gly59Asp (NM_001351694.2); c.110-111G>A (NM_001351693.2); short protein forms G59D.
Identifiers: ClinVar variation 1384550 (VCV001384550.6), dbSNP rs1352059198, ClinGen allele CA405786962.
Genomic context (GRCh38, chr19:39,415,058, plus strand): 5'-CAGCCCCCACCATGGCCTCCCCCCGAGGTTCTGGGAGCTCCACATCCCTGAGCACAGTGG[G>A]CTCTGAGGGGGATCCAGCCCCTGGGCCCACTCCAGCCTGCTCAGCCTCCAGGCCAGAGCC-3'
Protein context (NP_073746.2, residues 49-69): SGSSTSLSTV[Gly59Asp]SEGDPAPGPT

ClinVar aggregate classification (germline): Uncertain significance (1 of 4 stars; one submission).

Allele frequency attached by ClinVar (database versions not stated): gnomAD 0.00001.
gnomAD v4.1: 2 of 1,593,524 alleles (0.00013%); highest among the groups gnomAD compares: Admixed American, 0.0017%; no homozygotes.

Submission:

Labcorp Genetics (formerly Invitae), Labcorp
Classification: Uncertain significance. Last evaluated: 2022-01-13. Review status: criteria provided, single submitter. Criteria: Invitae Variant Classification Sherloc (09022015). Collection method: clinical testing. Allele origin: germline.
Comment: This sequence change replaces glycine, which is neutral and non-polar, with aspartic acid, which is acidic and polar, at codon 59 of the PLEKHG2 protein (p.Gly59Asp). In summary, the available evidence is currently insufficient to determine the role of this variant in disease. Therefore, it has been classified as a Variant of Uncertain Significance. Algorithms developed to predict the effect of missense changes on protein structure and function (SIFT, PolyPhen-2, Align-GVGD) all suggest that this variant is likely to be disruptive. This variant has not been reported in the literature in individuals affected with PLEKHG2-related conditions. This variant is not present in population databases (gnomAD no frequency).